The following is an entry in ClinVar:

ClinVar aggregate classification (germline): Uncertain significance (1 of 4 stars; one submission).

Conditions:
Hyperkalemic periodic paralysis. Also called: Familial hyperkalemic periodic paralysis; Gamstorp disease. Identifiers: Orphanet 682, MedGen C0238357, MONDO:0008224, OMIM 170500, HP:0007215.

Allele frequency attached by ClinVar (database versions not stated): gnomAD 0.00001; TOPMed 0.00001.
gnomAD v4.1: 3 of 1,593,342 alleles (0.00019%); highest among the groups gnomAD compares: African/African-American, 0.0013%; no homozygotes.

Submission:

Labcorp Genetics (formerly Invitae), Labcorp
Classification: Uncertain significance for Hyperkalemic periodic paralysis. Last evaluated: 2025-08-13. Review status: criteria provided, single submitter. Criteria: Invitae Variant Classification Sherloc (09022015). Collection method: clinical testing. Allele origin: germline.
Comment: This sequence change affects codon 987 of the SCN4A mRNA. It is a 'silent' change, meaning that it does not change the encoded amino acid sequence of the SCN4A protein. This variant is not present in population databases (gnomAD no frequency). This variant has not been reported in the literature in individuals affected with SCN4A-related conditions. ClinVar contains an entry for this variant (Variation ID: 1014104). Algorithms developed to predict the effect of sequence changes on RNA splicing suggest that this variant may disrupt the consensus splice site. In summary, the available evidence is currently insufficient to determine the role of this variant in disease. Therefore, it has been classified as a Variant of Uncertain Significance.

NM_000334.4(SCN4A):c.2961G>T (p.Gly987=)

Genes: GH-LCR (growth hormone locus control region; plus strand), SCN4A (sodium voltage-gated channel alpha subunit 4; minus strand). Cytogenetic location: 17q23.3.
Variant type: single nucleotide variant.
Coding change: c.2961G>T on transcript NM_000334.4 (MANE Select); coding-DNA position 2961, G replaced by T.
Protein change: p.Gly987=; no amino-acid change (glycine 987 retained).
Molecular consequence: synonymous variant.
Genome position (GRCh38, 1-based): chr17:63,949,421, C>A on the plus strand (G>T on the coding strand, the complement: SCN4A is on the minus strand). VCF-style: chr17-63949421-C-A. GRCh37 (hg19) VCF-style: chr17-62026781-C-A.
Identifiers: ClinVar variation 1014104 (VCV001014104.9), dbSNP rs1447182115, ClinGen allele CA501223244.